The following is an entry in ClinVar:

ClinVar aggregate classification (germline): Uncertain significance (1 of 4 stars; one submission).

gnomAD v4.1: 4 of 1,614,150 alleles (0.00025%); highest among the groups gnomAD compares: African/African-American, 0.0013%; no homozygotes.

Submission:

Labcorp Genetics (formerly Invitae), Labcorp
Classification: Uncertain significance. Last evaluated: 2026-02-01. Review status: criteria provided, single submitter. Criteria: Invitae Variant Classification Sherloc (09022015). Collection method: clinical testing. Allele origin: germline.
Comment: This sequence change replaces tyrosine, which is neutral and polar, with cysteine, which is neutral and slightly polar, at codon 971 of the EFL1 protein (p.Tyr971Cys). This variant is present in population databases (rs752046952, gnomAD 0.003%). This variant has not been reported in the literature in individuals affected with EFL1-related conditions. Invitae Evidence Modeling of protein sequence and biophysical properties (such as structural, functional, and spatial information, amino acid conservation, physicochemical variation, residue mobility, and thermodynamic stability) indicates that this missense variant is not expected to disrupt EFL1 protein function with a negative predictive value of 80%. In summary, the available evidence is currently insufficient to determine the role of this variant in disease. Therefore, it has been classified as a Variant of Uncertain Significance.

NM_024580.6(EFL1):c.2912A>G (p.Tyr971Cys)

Gene: EFL1 (elongation factor like GTPase 1; minus strand). Cytogenetic location: 15q25.2.
Variant type: single nucleotide variant.
Coding change: c.2912A>G on transcript NM_024580.6 (MANE Select); coding-DNA position 2912, A replaced by G.
Protein change: p.Tyr971Cys; replaces tyrosine 971 with cysteine.
Molecular consequence: missense variant. On other transcripts: non-coding transcript variant (1).
Genome position (GRCh38, 1-based): chr15:82,151,542, T>C on the plus strand (A>G on the coding strand, the complement: EFL1 is on the minus strand). VCF-style: chr15-82151542-T-C. GRCh37 (hg19) VCF-style: chr15-82443883-T-C.
Other names: c.2759A>G, p.Tyr920Cys (NM_001040610.3); c.2123A>G, p.Tyr708Cys (NM_001322844.2); c.2912A>G, p.Tyr971Cys (NM_001322845.2); short protein forms Y708C, Y920C, Y971C.
Identifiers: ClinVar variation 4692114 (VCV004692114.1).